The following is an entry in ClinVar:

ClinVar aggregate classification (germline): Benign/Likely benign. Review status: criteria provided, multiple submitters, no conflicts (2 of 4 stars). 3 submissions from 3 submitters: Benign (1); Likely benign (2). Last evaluated 2026-09-18.

Conditions:
Colorectal cancer, hereditary nonpolyposis, type 7. Identifiers: Orphanet 144, MedGen C1858380, MONDO:0013725, OMIM 614385.

Submissions (3):

Myriad Genetics, Inc.
Classification: Benign for Colorectal cancer, hereditary nonpolyposis, type 7. Last evaluated: 2026-09-18. Review status: criteria provided, single submitter. Criteria: Myriad Autosomal Dominant, Autosomal Recessive and X-Linked Classification Criteria (2023). Collection method: clinical testing. Allele origin: unknown.
Comment: This variant is considered benign. This variant is a silent/synonymous amino acid change and it is not expected to impact splicing.

Labcorp Genetics (formerly Invitae), Labcorp
Classification: Likely benign for Colorectal cancer, hereditary nonpolyposis, type 7. Last evaluated: 2023-09-06. Review status: criteria provided, single submitter. Criteria: Invitae Variant Classification Sherloc (09022015). Collection method: clinical testing. Allele origin: germline.

Ambry Genetics
Classification: Likely benign. Last evaluated: 2022-03-31. Review status: criteria provided, single submitter. Criteria: Ambry Variant Classification Scheme 2023. Collection method: clinical testing. Allele origin: germline.

NM_001040108.2(MLH3):c.3087A>G (p.Arg1029=)

Gene: MLH3 (mutL homolog 3; minus strand). Cytogenetic location: 14q24.3.
Variant type: single nucleotide variant.
Coding change: c.3087A>G on transcript NM_001040108.2 (MANE Select); coding-DNA position 3087, A replaced by G.
Protein change: p.Arg1029=; no amino-acid change (arginine 1029 retained).
Molecular consequence: synonymous variant.
Genome position (GRCh38, 1-based): chr14:75,046,569, T>C on the plus strand (A>G on the coding strand, the complement: MLH3 is on the minus strand). VCF-style: chr14-75046569-T-C. GRCh37 (hg19) VCF-style: chr14-75513272-T-C.
Other names: c.3087A>G, p.Arg1029= (NM_014381.3).
Identifiers: ClinVar variation 544295 (VCV000544295.12), dbSNP rs1555344899, ClinGen allele CA487273067.